The following is an entry in ClinVar:

NM_000211.5(ITGB2):c.1700G>T (p.Gly567Val)

Gene: ITGB2 (integrin subunit beta 2; minus strand). Cytogenetic location: 21q22.3.
Variant type: single nucleotide variant.
Coding change: c.1700G>T on transcript NM_000211.5 (MANE Select); coding-DNA position 1700, G replaced by T.
Protein change: p.Gly567Val; replaces glycine 567 with valine.
Molecular consequence: missense variant.
Genome position (GRCh38, 1-based): chr21:44,889,453, C>A on the plus strand (G>T on the coding strand, the complement: ITGB2 is on the minus strand). VCF-style: chr21-44889453-C-A. GRCh37 (hg19) VCF-style: chr21-46309368-C-A.
Other names: c.1700G>T, p.Gly567Val (NM_001127491.3); c.1493G>T, p.Gly498Val (NM_001303238.2); short protein forms G498V, G567V.
Identifiers: ClinVar variation 951574 (VCV000951574.10), dbSNP rs754953540, ClinGen allele CA410484144.
Genomic context (GRCh38, chr21:44,889,453, plus strand): 5'-CGCCGCGGGTTCAGGCAGCCCTCAGTGGTCCTCTCGCACTGGCACGCTGAGCCCTCAAAG[C>A]CCGGGTGGCAGCGGCACTTCCCGCAGAAGCAGAGCCCCCTCCCTGGAAGACGGGGCAGCA-3'
Protein context (NP_000202.3, residues 557-577): CFCGKCRCHP[Gly567Val]FEGSACQCER

ClinVar aggregate classification (germline): Uncertain significance (1 of 4 stars; one submission).

Conditions:
Leukocyte adhesion deficiency 1 (LAD1). Also called: LEUKOCYTE ADHESION DEFICIENCY, TYPE I; LAD 1; Lymphocyte function-associated antigen 1 immunodeficiency; LFA 1 immunodeficiency. Identifiers: Orphanet 2968, Orphanet 99842, MedGen C0398738, MONDO:0007293, OMIM 116920.

Submission:

Labcorp Genetics (formerly Invitae), Labcorp
Classification: Uncertain significance for Leukocyte adhesion deficiency 1. Last evaluated: 2023-08-04. Review status: criteria provided, single submitter. Criteria: Invitae Variant Classification Sherloc (09022015). Collection method: clinical testing. Allele origin: germline.
Comment: In summary, the available evidence is currently insufficient to determine the role of this variant in disease. Therefore, it has been classified as a Variant of Uncertain Significance. Advanced modeling of protein sequence and biophysical properties (such as structural, functional, and spatial information, amino acid conservation, physicochemical variation, residue mobility, and thermodynamic stability) has been performed at Invitae for this missense variant, however the output from this modeling did not meet the statistical confidence thresholds required to predict the impact of this variant on ITGB2 protein function. ClinVar contains an entry for this variant (Variation ID: 951574). This variant has not been reported in the literature in individuals affected with ITGB2-related conditions. This variant is not present in population databases (gnomAD no frequency). This sequence change replaces glycine, which is neutral and non-polar, with valine, which is neutral and non-polar, at codon 567 of the ITGB2 protein (p.Gly567Val).